The following continues an entry in ClinVar:

NM_000218.3(KCNQ1):c.217C>A (p.Pro73Thr)

Gene: KCNQ1. ClinVar aggregate classification (germline): Uncertain significance. Uncertain significance (1).

Submissions 6 to 17 of 17:

ARUP Laboratories, Molecular Genetics and Genomics, ARUP Laboratories
Classification: Uncertain significance. Last evaluated: 2025-01-29. Review status: criteria provided, single submitter. Criteria: ARUP Molecular Germline Variant Investigation Process 2024. Collection method: clinical testing. Allele origin: germline. Not counted in ClinVar's aggregate classification.
Comment: The KCNQ1 c.217C>A; p.Pro73Thr variant (rs199472676) is reported in the literature in individuals with a diagnosis or suspicion of long QT syndrome, although at least three carried additional pathogenic variants that could explain their disease (Christiansen 2014, Magnusson 2017, Millat 2011, Mullertz 2018, Riuro 2015, Stattin 2012, Tester 2005). The p.Pro73Thr variant is found in the non-Finnish European population with an allele frequency of 0.024% (20/84,050 alleles) in the Genome Aggregation Database (v2.1.1). Computational analyses are uncertain whether this variant is neutral or deleterious (REVEL: 0.566). Due to limited information, the clinical significance of this variant is uncertain at this time. References: Christiansen et al. Mutations in Danish patients with long QT syndrome and the identification of a large founder family with p.F29L in KCNH2. BMC Med Genet. 2014 Mar 7;15:31. PMID: 24606995. Magnusson P and Gustafsson PE. A case of long QT syndrome: challenges on a bumpy road. Clin Case Rep. 2017 May 4;5(6):954-960. PMID: 28588847. Millat G et al. Development of a high resolution melting method for the detection of genetic variations in Long QT Syndrome. Clin Chim Acta. 2011 Jan 14;412(1-2):203-7. PMID: 20851114. Mullertz KM et al. Outcome of clinical management in relatives of sudden cardiac death victims. Int J Cardiol. 2018 Jul 1;262:45-50. PMID: 29598884. Riuro H et al. Genetic analysis, in silico prediction, and family segregation in long QT syndrome. Eur J Hum Genet. 2015 Jan;23(1):79-85. PMID: 24667783. Stattin EL et al. Founder mutations characterise the mutation panorama in 200 Swedish index cases referred for Long QT syndrome genetic testing. BMC Cardiovasc Disord. 2012 Oct 25;12:95. PMID: 23098067. Tester DJ et al. Compendium of cardiac channel mutations in 541 consecutive unrelated patients referred for long QT syndrome genetic testing. Heart Rhythm. 2005 May;2(5):507-17. PMID: 15840476.

Blueprint Genetics
Classification: Likely benign. Last evaluated: 2024-08-27. Review status: criteria provided, single submitter. Criteria: ACMG Guidelines, 2015. Collection method: clinical testing. Allele origin: germline. Not counted in ClinVar's aggregate classification.

Ambry Genetics
Classification: Likely benign for Cardiovascular phenotype. Last evaluated: 2023-10-21. Review status: criteria provided, single submitter. Criteria: Ambry Variant Classification Scheme 2023. Collection method: clinical testing. Allele origin: germline. Not counted in ClinVar's aggregate classification.

Women's Health and Genetics/Laboratory Corporation of America, LabCorp
Classification: Likely benign. Last evaluated: 2023-02-16. Review status: criteria provided, single submitter. Criteria: LabCorp Variant Classification Summary - May 2015. Collection method: clinical testing. Allele origin: germline. Not counted in ClinVar's aggregate classification.
Comment: Variant summary: KCNQ1 c.217C>A (p.Pro73Thr) results in a non-conservative amino acid change in the encoded protein sequence. Three of five in-silico tools predict a benign effect of the variant on protein function. The variant allele was found at a frequency of 0.00015 in 150334 control chromosomes, predominantly at a frequency of 0.00028 within the Non-Finnish European subpopulation in the gnomAD database. The observed variant frequency within Non-Finnish European control individuals in the gnomAD database is approximately 3 fold of the estimated maximal expected allele frequency for a pathogenic variant in KCNQ1 causing Long QT Syndrome phenotype (8.3e-05), strongly suggesting that the variant is a benign polymorphism found primarily in populations of Non-Finnish European origin. c.217C>A has been reported in the literature in individuals affected with Long QT Syndrome (Example: Tester_2005, Kapa_2009, Kapplinger_2009, Marschall_2019, Millat_2011) etc . These data do not allow any conclusion about variant significance. Co-occurrences with other pathogenic variants have been reported (KCNH2 c.87C>A, p.Phe29Leu; SCN5A c.1231G>A, p.Val411Met; KCNQ1 c.502G>A, P.Gly168Arg) (Mullertz_2018, Magnusson_2017, Riuro_2015), providing supporting evidence for a benign role. To our knowledge, no experimental evidence demonstrating an impact on protein function has been reported. Six clinical diagnostic laboratories have submitted clinical-significance assessments for this variant to ClinVar after 2014 without evidence for independent evaluation. All laboratories classified the variant as uncertain significance. Based on the evidence outlined above, the variant was classified as likely benign.

Fulgent Genetics
Classification: Uncertain significance for Beckwith-Wiedemann syndrome; Long QT syndrome 1; Jervell and Lange-Nielsen syndrome 1; Atrial fibrillation, familial, 3; Short QT syndrome type 2. Last evaluated: 2022-02-09. Review status: criteria provided, single submitter. Criteria: ACMG Guidelines, 2015. Collection method: clinical testing. Allele origin: unknown. Not counted in ClinVar's aggregate classification.

Knight Diagnostic Laboratories, Oregon Health and Sciences University
Classification: Uncertain significance for Short QT syndrome type 2. Last evaluated: 2015-10-23. Review status: criteria provided, single submitter. Criteria: ACMG Guidelines, 2015. Collection method: clinical testing. Allele origin: germline. Affected: no. Study: CSER-NextGen. Not counted in ClinVar's aggregate classification.

Knight Diagnostic Laboratories, Oregon Health and Sciences University
Classification: Uncertain significance for Long QT syndrome 1. Last evaluated: 2015-10-23. Review status: criteria provided, single submitter. Criteria: ACMG Guidelines, 2015. Collection method: clinical testing. Allele origin: germline. Affected: no. Study: CSER-NextGen. Not counted in ClinVar's aggregate classification.

Cardiovascular Biomedical Research Unit, Royal Brompton & Harefield NHS Foundation Trust
No classification provided. Condition: Familial long QT syndrome. Review status: no classification provided. Collection method: literature only. Allele origin: germline. Not counted in ClinVar's aggregate classification.
Comment: This variant has been reported as associated with Long QT syndrome in the following publications (PMID:15840476;PMID:19716085;PMID:19841300). This is a literature report, and does not necessarily reflect the clinical interpretation of the Imperial College / Royal Brompton Cardiovascular Genetics laboratory.

Clinical Genetics, Academic Medical Center
Classification: Uncertain significance. Review status: no assertion criteria provided. Collection method: clinical testing. Allele origin: germline. Affected: yes. Study: VKGL Data-share Consensus. Not counted in ClinVar's aggregate classification.

Genome Diagnostics Laboratory, Amsterdam University Medical Center
Classification: Uncertain significance. Review status: no assertion criteria provided. Collection method: clinical testing. Allele origin: germline. Affected: yes. Study: VKGL Data-share Consensus. Not counted in ClinVar's aggregate classification.

Genome Diagnostics Laboratory, University Medical Center Utrecht
Classification: Uncertain significance. Review status: no assertion criteria provided. Collection method: clinical testing. Allele origin: germline. Affected: yes. Study: VKGL Data-share Consensus. Not counted in ClinVar's aggregate classification.

Joint Genome Diagnostic Labs from Nijmegen and Maastricht, Radboudumc and MUMC+
Classification: Uncertain significance. Review status: no assertion criteria provided. Collection method: clinical testing. Allele origin: germline. Affected: yes. Study: VKGL Data-share Consensus. Not counted in ClinVar's aggregate classification.

Literature cited by the submitters: PubMed 15840476 (cited by 4 submitters); PubMed 19716085 (cited by 4 submitters); PubMed 22949429 (cited by Labcorp Genetics (formerly Invitae), Labcorp and Ambry Genetics); PubMed 24606995 (cited by Labcorp Genetics (formerly Invitae), Labcorp and Ambry Genetics); PubMed 24667783 (cited by 3 submitters); PubMed 26743238 (cited by Labcorp Genetics (formerly Invitae), Labcorp); PubMed 28588847 (cited by 3 submitters); PubMed 19841300 (cited by 3 submitters); PubMed 20851114 (cited by Ambry Genetics and Women's Health and Genetics/Laboratory Corporation of America, LabCorp); PubMed 23098067 (cited by Ambry Genetics); PubMed 25351510 (cited by Ambry Genetics); PubMed 29197658 (cited by Ambry Genetics); PubMed 29598884 (cited by Ambry Genetics and Women's Health and Genetics/Laboratory Corporation of America, LabCorp); PubMed 31737537 (cited by Ambry Genetics and Women's Health and Genetics/Laboratory Corporation of America, LabCorp); PubMed 33181513 (cited by Ambry Genetics); PubMed 37449562 (cited by Ambry Genetics); PubMed 22581653 (cited by Cardiovascular Biomedical Research Unit, Royal Brompton & Harefield NHS Foundation Trust).